The following is an entry in ClinVar:

ClinVar aggregate classification (germline): Likely benign. Review status: criteria provided, multiple submitters, no conflicts (2 of 4 stars). 3 submissions from 3 submitters: Likely benign (2). 1 of the submissions does not count toward it. Last evaluated 2026-01-11.

Conditions:
Tietz syndrome (TADS). Also called: HYPOPIGMENTATION/DEAFNESS OF TIETZ; ALBINISM-DEAFNESS OF TIETZ; TIETZ ALBINISM-DEAFNESS SYNDROME. Identifiers: Orphanet 42665, MedGen C0391816, MONDO:0007077, OMIM 103500.
Waardenburg syndrome type 2A (WS2A). Also called: WAARDENBURG SYNDROME WITHOUT DYSTOPIA CANTHORUM. Identifiers: Orphanet 3440, MedGen C1860339, MONDO:0008671, OMIM 193510.
Melanoma, cutaneous malignant, susceptibility to, 8. Also called: Cutaneous malignant melanoma 8; MELANOMA AND RENAL CELL CARCINOMA, SUSCEPTIBILITY TO. Identifiers: Orphanet 293822, MedGen C3152204, MONDO:0013759, OMIM 614456.
MITF-related disorder. Also called: MITF-related condition.
Hereditary cancer-predisposing syndrome. Also called: Neoplastic Syndromes, Hereditary; Hereditary Cancer Syndrome; Tumor predisposition; Hereditary neoplastic syndrome. Identifiers: Orphanet 140162, MedGen C0027672, MeSH D009386, MONDO:0015356.

Allele frequency attached by ClinVar (database versions not stated): gnomAD 0.00001; ExAC 0.00002; TOPMed 0.00002; ESP Exome Variant Server 0.00008.
gnomAD v4.1: 48 of 1,614,000 alleles (0.003%); highest among the groups gnomAD compares: Non-Finnish European, 0.0034%; no homozygotes.

Submissions (3):

Labcorp Genetics (formerly Invitae), Labcorp
Classification: Likely benign for Melanoma, cutaneous malignant, susceptibility to, 8; Waardenburg syndrome type 2A; Tietz syndrome. Last evaluated: 2026-01-11. Review status: criteria provided, single submitter. Criteria: Invitae Variant Classification Sherloc (09022015). Collection method: clinical testing. Allele origin: germline.

Ambry Genetics
Classification: Likely benign for Hereditary cancer-predisposing syndrome. Last evaluated: 2024-11-22. Review status: criteria provided, single submitter. Criteria: Ambry Variant Classification Scheme 2023. Collection method: clinical testing. Allele origin: germline.

PreventionGenetics, part of Exact Sciences
Classification: Likely benign for MITF-related condition. Last evaluated: 2024-03-20. Review status: no assertion criteria provided. Collection method: clinical testing. Allele origin: germline. Not counted in ClinVar's aggregate classification.
Comment: This variant is classified as likely benign based on ACMG/AMP sequence variant interpretation guidelines (Richards et al. 2015 PMID: 25741868, with internal and published modifications).

NM_001354604.2(MITF):c.519G>A (p.Pro173=)

Gene: MITF (melanocyte inducing transcription factor; plus strand). Cytogenetic location: 3p13.
Variant type: single nucleotide variant.
Coding change: c.519G>A on transcript NM_001354604.2 (MANE Select); coding-DNA position 519, G replaced by A.
Protein change: p.Pro173=; no amino-acid change (proline 173 retained).
Molecular consequence: synonymous variant. On other transcripts: intron variant (1).
Genome position (GRCh38, 1-based): chr3:69,937,986, G>A. VCF-style: chr3-69937986-G-A. GRCh37 (hg19) VCF-style: chr3-69987137-G-A.
Other names: c.198G>A, p.Pro66= (NM_000248.4, NM_001184968.2, NM_198158.3); c.363G>A, p.Pro121= (NM_001184967.2, NM_001354608.2); c.516G>A, p.Pro172= (NM_001354605.2, NM_001354606.2, NM_006722.3); c.468G>A, p.Pro156= (NM_001354607.2); c.519G>A, p.Pro173= (NM_198159.3); c.471G>A, p.Pro157= (NM_198177.3); c.93+105G>A (NM_198178.3).
Identifiers: ClinVar variation 2037938 (VCV002037938.6), dbSNP rs370367869, ClinGen allele CA2490370.
Genomic context (GRCh38, chr3:69,937,986, plus strand): 5'-CCAAGTCCTGAGCTTGCCATGTCCAAACCAGCCTGGCGATCATGTCATGCCACCGGTGCC[G>A]GGGAGCAGCGCACCCAACAGCCCCATGGCTATGCTTACGCTTAACTCCAACTGTGAAAAA-3'
Protein context (NP_001341533.1, residues 163-183): QPGDHVMPPV[Pro173=]GSSAPNSPMA